The following is an entry in ClinVar:

NM_003072.5(SMARCA4):c.652C>T (p.Pro218Ser)

Gene: SMARCA4 (SWI/SNF related BAF chromatin remodeling complex subunit ATPase 4; plus strand). Cytogenetic location: 19p13.2.
Variant type: single nucleotide variant.
Coding change: c.652C>T on transcript NM_003072.5 (MANE Select); coding-DNA position 652, C replaced by T.
Protein change: p.Pro218Ser; replaces proline 218 with serine.
Molecular consequence: missense variant. On other transcripts: non-coding transcript variant (1).
Genome position (GRCh38, 1-based): chr19:10,986,485, C>T. VCF-style: chr19-10986485-C-T. GRCh37 (hg19) VCF-style: chr19-11097161-C-T.
Other names: c.652C>T, p.Pro218Ser (NM_001128844.3, NM_001128845.2, NM_001128846.2 and 4 more transcripts); short protein forms P218S.
Identifiers: ClinVar variation 1000466 (VCV001000466.12), dbSNP rs1220576417, ClinGen allele CA404056812.

ClinVar aggregate classification (germline): Uncertain significance. Review status: criteria provided, multiple submitters, no conflicts (2 of 4 stars). 2 submissions from 2 submitters: Uncertain significance (2). Last evaluated 2024-03-22.

Conditions:
Hereditary cancer-predisposing syndrome. Also called: Neoplastic Syndromes, Hereditary; Tumor predisposition; Hereditary Cancer Syndrome; Hereditary neoplastic syndrome. Identifiers: Orphanet 140162, MedGen C0027672, MeSH D009386, MONDO:0015356.
Rhabdoid tumor predisposition syndrome 2 (RTPS2). Identifiers: Orphanet 231108, Orphanet 69077, MedGen C2750074, MONDO:0013224, OMIM 613325.

Allele frequency attached by ClinVar (database versions not stated): gnomAD 0.00001.

Submissions (2):

Ambry Genetics
Classification: Uncertain significance for Hereditary cancer-predisposing syndrome. Last evaluated: 2024-03-22. Review status: criteria provided, single submitter. Criteria: Ambry Variant Classification Scheme 2023. Collection method: clinical testing. Allele origin: germline.
Comment: The p.P218S variant (also known as c.652C>T), located in coding exon 3 of the SMARCA4 gene, results from a C to T substitution at nucleotide position 652. The proline at codon 218 is replaced by serine, an amino acid with similar properties. This amino acid position is highly conserved in available vertebrate species. In addition, this alteration is predicted to be tolerated by in silico analysis. Missense and in-frame variants in SMARCA4 are known to cause neurodevelopmental disorders; however, such associations with rhabdoid tumor predisposition syndrome including small cell carcinoma of the ovary-hypercalcemic type (SCCOHT) are exceedingly rare (Kosho T et al. Am J Med Genet C Semin Med Genet. 2014 Sep;166C(3):262-75; Jelinic P et al. Nat Genet. 2014 May;46(5):424-6). Based on the supporting evidence, the association of this alteration with Coffin-Siris syndrome is unknown; however, the association of this alteration with rhabdoid tumor predisposition syndrome is unlikely.

Labcorp Genetics (formerly Invitae), Labcorp
Classification: Uncertain significance for Rhabdoid tumor predisposition syndrome 2. Last evaluated: 2023-08-04. Review status: criteria provided, single submitter. Criteria: Invitae Variant Classification Sherloc (09022015). Collection method: clinical testing. Allele origin: germline.
Comment: This variant has not been reported in the literature in individuals affected with SMARCA4-related conditions. In summary, the available evidence is currently insufficient to determine the role of this variant in disease. Therefore, it has been classified as a Variant of Uncertain Significance. Advanced modeling of protein sequence and biophysical properties (such as structural, functional, and spatial information, amino acid conservation, physicochemical variation, residue mobility, and thermodynamic stability) has been performed at Invitae for this missense variant, however the output from this modeling did not meet the statistical confidence thresholds required to predict the impact of this variant on SMARCA4 protein function. ClinVar contains an entry for this variant (Variation ID: 1000466). This variant is not present in population databases (gnomAD no frequency). This sequence change replaces proline, which is neutral and non-polar, with serine, which is neutral and polar, at codon 218 of the SMARCA4 protein (p.Pro218Ser).